The following is an entry in ClinVar:

ClinVar aggregate classification (germline): Benign. Review status: reviewed by expert panel (3 of 4 stars). 21 submissions from 21 submitters: Benign (1). 20 of the submissions do not count toward it. Last evaluated 2013-09-05.

Conditions:
Hereditary nonpolyposis colorectal neoplasms. Identifiers: MedGen C0009405, MeSH D003123.
Hereditary cancer-predisposing syndrome. Also called: Hereditary neoplastic syndrome; Neoplastic Syndromes, Hereditary; Hereditary Cancer Syndrome; Tumor predisposition. Identifiers: Orphanet 140162, MedGen C0027672, MeSH D009386, MONDO:0015356.
Lynch syndrome. Identifiers: Orphanet 144, MedGen C4552100, MONDO:0005835. Disease mechanism: loss of function.
Endometrial carcinoma. Also called: Endometrial carcinoma, somatic. Identifiers: MedGen C0476089, MONDO:0002447, OMIM 608089, HP:0012114.
Lynch syndrome 5 (LYNCH5). Also called: Colorectal cancer, hereditary nonpolyposis, type 5; Hereditary non-polyposis colorectal cancer, type 5. Identifiers: Orphanet 144, MedGen C1833477, MONDO:0013710, OMIM 614350. Disease mechanism: loss of function.

Allele frequency attached by ClinVar (database versions not stated): ExAC 0.00387; ESP Exome Variant Server 0.01284; gnomAD 0.01297 and 0.01384; gnomAD exomes 0.00131 and 0.00351; 1000 Genomes Project 0.01518; TOPMed 0.01524; 1000 Genomes Project 30x 0.01671.
gnomAD v4.1: 3,998 of 1,613,754 alleles (0.25%); highest among the groups gnomAD compares: African/African-American, 4.4%; 80 homozygotes.

Submissions (21):

International Society for Gastrointestinal Hereditary Tumours (InSiGHT)
Classification: Benign for Lynch Syndrome. Last evaluated: 2013-09-05. Review status: reviewed by expert panel. Criteria: Guidelines v1.9. Collection method: research. Allele origin: germline.
Comment: MAF >1% & Multifactorial likelihood analysis posterior probability <0.001

Classified with v1.9 guidelines
ClinVar note: Converted during submission from no known pathogenicity to Benign.

Labcorp Genetics (formerly Invitae), Labcorp
Classification: Benign for Hereditary nonpolyposis colorectal neoplasms. Last evaluated: 2026-02-03. Review status: criteria provided, single submitter. Criteria: Invitae Variant Classification Sherloc (09022015). Collection method: clinical testing. Allele origin: germline. Not counted in ClinVar's aggregate classification.

ARUP Laboratories, Molecular Genetics and Genomics, ARUP Laboratories
Classification: Benign. Last evaluated: 2025-06-17. Review status: criteria provided, single submitter. Criteria: ARUP Molecular Germline Variant Investigation Process 2024. Collection method: clinical testing. Allele origin: germline. Not counted in ClinVar's aggregate classification.

Center for Genomic Medicine, Rigshospitalet, Copenhagen University Hospital
Classification: Benign. Last evaluated: 2025-03-04. Review status: criteria provided, single submitter. Criteria: ACMG Guidelines, 2015. Collection method: clinical testing. Allele origin: germline. Not counted in ClinVar's aggregate classification.

Myriad Genetics, Inc.
Classification: Benign for Lynch syndrome 5. Last evaluated: 2024-12-23. Review status: criteria provided, single submitter. Criteria: Myriad Autosomal Dominant, Autosomal Recessive and X-Linked Classification Criteria (2023). Collection method: clinical testing. Allele origin: unknown. Not counted in ClinVar's aggregate classification.
Comment: This variant is considered benign. This variant is a silent/synonymous amino acid change and it is not expected to impact splicing.

KCCC/NGS Laboratory, Kuwait Cancer Control Center
Classification: Benign for Lynch syndrome 5. Last evaluated: 2023-07-07. Review status: criteria provided, single submitter. Criteria: ACMG Guidelines, 2015. Collection method: clinical testing. Allele origin: germline. Affected: yes. Not counted in ClinVar's aggregate classification.

Sema4
Classification: Benign for Hereditary cancer-predisposing syndrome. Last evaluated: 2020-01-30. Review status: criteria provided, single submitter. Criteria: Sema4 Curation Guidelines. Collection method: curation. Allele origin: germline. Not counted in ClinVar's aggregate classification.

Illumina Laboratory Services, Illumina
Classification: Likely benign for Lynch syndrome 5. Last evaluated: 2018-01-12. Review status: criteria provided, single submitter. Criteria: ICSL Variant Classification Criteria 13 December 2019. Collection method: clinical testing. Allele origin: germline. Not counted in ClinVar's aggregate classification.
Comment: This variant was observed in the ICSL laboratory as part of a predisposition screen in an ostensibly healthy population. It had not been previously curated by ICSL or reported in the Human Gene Mutation Database (HGMD: prior to June 1st, 2018), and was therefore a candidate for classification through an automated scoring system. Utilizing variant allele frequency, disease prevalence and penetrance estimates, and inheritance mode, an automated score was calculated to assess if this variant is too frequent to cause the disease. Based on the score and internal cut-off values, a variant classified as likely benign is not then subjected to further curation. The score for this variant resulted in a classification of likely benign for this disease.

Color Diagnostics, LLC DBA Color Health
Classification: Benign for Hereditary cancer-predisposing syndrome. Last evaluated: 2015-04-01. Review status: criteria provided, single submitter. Criteria: ACMG Guidelines, 2015. Collection method: clinical testing. Allele origin: germline. Not counted in ClinVar's aggregate classification.

GeneDx
Classification: Benign. Last evaluated: 2015-03-03. Review status: criteria provided, single submitter. Criteria: GeneDx Variant Classification Process June 2021. Collection method: clinical testing. Allele origin: germline. Affected: yes. Not counted in ClinVar's aggregate classification.

Ambry Genetics
Classification: Benign for Hereditary cancer-predisposing syndrome. Last evaluated: 2014-11-18. Review status: criteria provided, single submitter. Criteria: Ambry Variant Classification Scheme 2023. Collection method: clinical testing. Allele origin: germline. Not counted in ClinVar's aggregate classification.

Eurofins Ntd Llc (ga)
Classification: Benign. Last evaluated: 2014-04-11. Review status: criteria provided, single submitter. Criteria: EGL Classification Definitions 2015. Collection method: clinical testing. Allele origin: germline. Observed: 2 variant alleles, 2 heterozygotes. Not counted in ClinVar's aggregate classification.

Breakthrough Genomics
Classification: Benign. Review status: criteria provided, single submitter. Criteria: ACMG Guidelines, 2015. Collection method: not provided. Allele origin: germline. Inheritance: Autosomal recessive inheritance. Affected: yes. Not counted in ClinVar's aggregate classification.

PreventionGenetics, part of Exact Sciences
Classification: Benign. Review status: criteria provided, single submitter. Criteria: ACMG Guidelines, 2015. Collection method: clinical testing. Allele origin: germline. Not counted in ClinVar's aggregate classification.

True Health Diagnostics
Classification: Likely benign for Hereditary cancer-predisposing syndrome. Last evaluated: 2018-02-20. Review status: no assertion criteria provided. Collection method: clinical testing. Allele origin: germline. Not counted in ClinVar's aggregate classification.

Laboratory for Molecular Medicine, Mass General Brigham Personalized Medicine
Classification: Likely benign. Last evaluated: 2008-07-10. Review status: no assertion criteria provided. Collection method: clinical testing. Allele origin: germline. Observed: 1 variant allele. Not counted in ClinVar's aggregate classification.

Clinical Genetics, Academic Medical Center
Classification: Benign. Review status: no assertion criteria provided. Collection method: clinical testing. Allele origin: germline. Affected: yes. Study: VKGL Data-share Consensus. Not counted in ClinVar's aggregate classification.

Department of Pathology and Laboratory Medicine, Sinai Health System
Classification: Benign for Endometrial carcinoma. Review status: no assertion criteria provided. Collection method: clinical testing. Allele origin: unknown. Affected: yes. Study: The Canadian Open Genetics Repository (COGR). Not counted in ClinVar's aggregate classification.
Comment: The MSH6 p.His388= variant was identified in 4 of 908 proband chromosomes (frequency: 0.004) from cases with high risk breast and colon cancer and was not identified in 332 chromosomes from healthy individuals (Kolodner 1999, Perez-Cabornero 2009, Sanchez 2005, Wasielewski 2009). The variant was identified in the following databases: dbSNP (ID: rs55708305) â€šÃ„ÃºWith other alleleâ€šÃ„Ã¹, ClinVar (classified benign, reviewed by an expert panel 2013, submitters: benign by InSIGHT, Invitae, Ambry Genetics, EGL Genetic Diagnostics, Prevention Genetics and Mayo Clinic, and likely benign by Illumina and the Laboratory for Molecular Medicine), Clinvitae (4x), UMD-LSDB (8x neutral), Insight Colon Cancer Gene Variant Database (4x), Mismatch Repair Genes Variant Database (3x), Insight Hereditary Tumors Database (4x) and was not identified in Cosmic, MutDB, and Zhejiang Colon Cancer Database. The variant was identified in control databases in 1240 (29 homozygous) of 276736 chromosomes at a frequency of 0.004 increasing the likelihood this could be a low frequency benign variant (Genome Aggregation Database Feb 27, 2017). Observations by population include African in 1060 of 24012 chromosomes (freq: 0.04), Other in 18 of 6454 chromosomes (freq: 0.003), Latino in 125 of 34402 chromosomes (freq: 0.004), European Non-Finnish in 37 of 126300 chromosomes (freq: 0.0003); it was not observed in the Ashkenazi Jewish, East Asian, European Finnish, and South Asian populations. The p.His388= variant is not expected to have clinical significance because it does not result in a change of amino acid and is not located in a known consensus splice site. In addition, in silico or computational prediction software programs (SpliceSiteFinder, MaxEntScan, NNSPLICE, GeneSplicer, HumanSpliceFinder) do not predict a difference in splicing. In summary, based on the above information this variant meets our laboratory's criteria to be classified as benign.

Genome Diagnostics Laboratory, Amsterdam University Medical Center
Classification: Benign. Review status: no assertion criteria provided. Collection method: clinical testing. Allele origin: germline. Affected: yes. Study: VKGL Data-share Consensus. Not counted in ClinVar's aggregate classification.

Laboratory of Diagnostic Genome Analysis, Leiden University Medical Center (LUMC)
Classification: Benign. Review status: no assertion criteria provided. Collection method: clinical testing. Allele origin: germline. Affected: yes. Study: VKGL Data-share Consensus. Not counted in ClinVar's aggregate classification.

Mayo Clinic Laboratories, Mayo Clinic
Classification: Benign. Review status: no assertion criteria provided. Collection method: research. Allele origin: unknown. Observed: 1 variant allele. Not counted in ClinVar's aggregate classification.

Literature cited by the submitters: PubMed 10537275 (cited by Laboratory for Molecular Medicine, Mass General Brigham Personalized Medicine); PubMed 16270383 (cited by Laboratory for Molecular Medicine, Mass General Brigham Personalized Medicine).

NM_000179.3(MSH6):c.1164C>T (p.His388=)

Gene: MSH6 (mutS homolog 6; plus strand). Cytogenetic location: 2p16.3.
Variant type: single nucleotide variant.
Coding change: c.1164C>T on transcript NM_000179.3 (MANE Select); coding-DNA position 1164, C replaced by T.
Protein change: p.His388=; no amino-acid change (histidine 388 retained).
Molecular consequence: synonymous variant.
Genome position (GRCh38, 1-based): chr2:47,799,147, C>T. VCF-style: chr2-47799147-C-T. GRCh37 (hg19) VCF-style: chr2-48026286-C-T.
Other names: c.774C>T, p.His258= (NM_001281492.2); c.258C>T, p.His86= (NM_001281493.2, NM_001281494.2).
Identifiers: ClinVar variation 42467 (VCV000042467.54), dbSNP rs55708305, ClinGen allele CA008194.